The following is an entry in ClinVar:

NM_001040108.2(MLH3):c.2394A>G (p.Leu798=)

Gene: MLH3 (mutL homolog 3; minus strand). Cytogenetic location: 14q24.3.
Variant type: single nucleotide variant.
Coding change: c.2394A>G on transcript NM_001040108.2 (MANE Select); coding-DNA position 2394, A replaced by G.
Protein change: p.Leu798=; no amino-acid change (leucine 798 retained).
Molecular consequence: synonymous variant.
Genome position (GRCh38, 1-based): chr14:75,047,262, T>C on the plus strand (A>G on the coding strand, the complement: MLH3 is on the minus strand). VCF-style: chr14-75047262-T-C. GRCh37 (hg19) VCF-style: chr14-75513965-T-C.
Other names: c.2394A>G, p.Leu798= (NM_014381.3).
Identifiers: ClinVar variation 1790596 (VCV001790596.3), dbSNP rs2503271209, ClinGen allele CA487273481.

ClinVar aggregate classification (germline): Benign/Likely benign. Review status: criteria provided, multiple submitters, no conflicts (2 of 4 stars). 2 submissions from 2 submitters: Benign (1); Likely benign (1). Last evaluated 2026-05-05.

Conditions:
Colorectal cancer, hereditary nonpolyposis, type 7. Identifiers: Orphanet 144, MedGen C1858380, MONDO:0013725, OMIM 614385.

Submissions (2):

Myriad Genetics, Inc.
Classification: Benign for Colorectal cancer, hereditary nonpolyposis, type 7. Last evaluated: 2026-05-05. Review status: criteria provided, single submitter. Criteria: Myriad Autosomal Dominant, Autosomal Recessive and X-Linked Classification Criteria (2023). Collection method: clinical testing. Allele origin: unknown.
Comment: This variant is considered benign. This variant is a silent/synonymous amino acid change and it is not expected to impact splicing.

Ambry Genetics
Classification: Likely benign. Last evaluated: 2021-03-27. Review status: criteria provided, single submitter. Criteria: Ambry Variant Classification Scheme 2023. Collection method: clinical testing. Allele origin: germline.